The following is an entry in ClinVar:

ClinVar aggregate classification (germline): Uncertain significance. Review status: reviewed by expert panel (3 of 4 stars). 3 submissions from 3 submitters: Uncertain significance (1). 2 of the submissions do not count toward it. Last evaluated 2023-07-23.

Conditions:
Phenylketonuria (PKU). Also called: Phenylketonuria (PKU); Phenylketonurias; FOLLING DISEASE; OLIGOPHRENIA PHENYLPYRUVICA. Identifiers: Orphanet 716, MedGen C0031485, MONDO:0009861, OMIM 261600. Disease mechanism: loss of function.

Allele frequency attached by ClinVar (database versions not stated): ESP Exome Variant Server 0.00008; TOPMed 0.00006; gnomAD 0.00008 and 0.00009.
gnomAD v4.1: 91 of 1,613,640 alleles (0.0056%); highest among the groups gnomAD compares: South Asian, 0.046%; no homozygotes.

Submissions (3):

ClinGen PAH Variant Curation Expert Panel
Classification: Uncertain significance for Phenylketonuria. Last evaluated: 2023-07-23. Review status: reviewed by expert panel. Criteria: ClinGen PAH ACMG Specifications v1. Collection method: curation. Allele origin: germline. Inheritance: Autosomal recessive inheritance.
Comment: The NM_000277.3:c.1140G>A variant in PAH is a synonymous (silent) variant (p.Thr380=) that is not predicted to impact splicing. To our knowledge, this variant has not been reported in the literature and results of functional studies are unavailable. The highest population minor allele frequency in gnomAD v2.1.1 is 0.0004573 (14/30616 alleles) in the South Asian population (none of the population data codes are met). There is a ClinVar entry for this variant (Variation ID: 733267, 1 star review status) with one submitter classifying the variant as a variant of uncertain significance and one submitter classifying the variant as likely benign. In summary, this variant meets the criteria to be classified as a variant of uncertain significance for PAH deficiency based on the ACMG/AMP criteria applied, as specified by the ClinGen PAH Variant Curation Expert Panel (Specifications Version 2.0): no criteria are met.

Labcorp Genetics (formerly Invitae), Labcorp
Classification: Likely benign for Phenylketonuria. Last evaluated: 2026-01-24. Review status: criteria provided, single submitter. Criteria: Invitae Variant Classification Sherloc (09022015). Collection method: clinical testing. Allele origin: germline. Not counted in ClinVar's aggregate classification.

Natera, Inc.
Classification: Uncertain significance for Phenylketonuria. Last evaluated: 2020-02-13. Review status: no assertion criteria provided. Collection method: clinical testing. Allele origin: germline. Not counted in ClinVar's aggregate classification.

NM_000277.3(PAH):c.1140G>A (p.Thr380=)

Gene: PAH (phenylalanine hydroxylase; minus strand). Cytogenetic location: 12q23.2.
Variant type: single nucleotide variant.
Coding change: c.1140G>A on transcript NM_000277.3 (MANE Select); coding-DNA position 1140, G replaced by A.
Protein change: p.Thr380=; no amino-acid change (threonine 380 retained).
Molecular consequence: synonymous variant.
Genome position (GRCh38, 1-based): chr12:102,843,705, C>T on the plus strand (G>A on the coding strand, the complement: PAH is on the minus strand). VCF-style: chr12-102843705-C-T. GRCh37 (hg19) VCF-style: chr12-103237483-C-T.
Other names: NM_000277.3(PAH):c.1140G>A; p.Thr380=; c.1140G>A, p.Thr380= (NM_001354304.2).
Identifiers: ClinVar variation 733267 (VCV000733267.12), dbSNP rs373763334, ClinGen allele CA6748735.